The following is an entry in ClinVar:

ClinVar aggregate classification (germline): Uncertain significance (1 of 4 stars; one submission).

Allele frequency attached by ClinVar (database versions not stated): gnomAD exomes below 0.00001.
gnomAD v4.1: 1 of 1,606,838 alleles (0.000062%); highest among the groups gnomAD compares: Non-Finnish European, 0.000085%; no homozygotes.

Submission:

Labcorp Genetics (formerly Invitae), Labcorp
Classification: Uncertain significance. Last evaluated: 2023-11-18. Review status: criteria provided, single submitter. Criteria: Invitae Variant Classification Sherloc (09022015). Collection method: clinical testing. Allele origin: germline.
Comment: This sequence change replaces histidine, which is basic and polar, with glutamine, which is neutral and polar, at codon 456 of the AUTS2 protein (p.His456Gln). This variant is not present in population databases (gnomAD no frequency). This variant has not been reported in the literature in individuals affected with AUTS2-related conditions. Advanced modeling of protein sequence and biophysical properties (such as structural, functional, and spatial information, amino acid conservation, physicochemical variation, residue mobility, and thermodynamic stability) performed at Invitae indicates that this missense variant is not expected to disrupt AUTS2 protein function with a negative predictive value of 80%. In summary, the available evidence is currently insufficient to determine the role of this variant in disease. Therefore, it has been classified as a Variant of Uncertain Significance.

NM_015570.4(AUTS2):c.1368C>A (p.His456Gln)

Gene: AUTS2 (activator of transcription and developmental regulator AUTS2; plus strand). Cytogenetic location: 7q11.22.
Variant type: single nucleotide variant.
Coding change: c.1368C>A on transcript NM_015570.4 (MANE Select); coding-DNA position 1368, C replaced by A.
Protein change: p.His456Gln; replaces histidine 456 with glutamine.
Molecular consequence: missense variant.
Genome position (GRCh38, 1-based): chr7:70,764,905, C>A. VCF-style: chr7-70764905-C-A. GRCh37 (hg19) VCF-style: chr7-70229891-C-A.
Other names: c.1368C>A, p.His456Gln (NM_001127231.3); short protein forms H456Q.
Identifiers: ClinVar variation 2697097 (VCV002697097.3), dbSNP rs2484666178, ClinGen allele CA367668422.